The following is an entry in ClinVar:

NM_000540.3(RYR1):c.9061C>T (p.Pro3021Ser)

Gene: RYR1 (ryanodine receptor 1; plus strand). Cytogenetic location: 19q13.2.
Variant type: single nucleotide variant.
Coding change: c.9061C>T on transcript NM_000540.3 (MANE Select); coding-DNA position 9061, C replaced by T.
Protein change: p.Pro3021Ser; replaces proline 3021 with serine.
Molecular consequence: missense variant.
Genome position (GRCh38, 1-based): chr19:38,510,720, C>T. VCF-style: chr19-38510720-C-T. GRCh37 (hg19) VCF-style: chr19-39001360-C-T.
Other names: c.9061C>T, p.Pro3021Ser (NM_001042723.2); short protein forms P3021S.
Identifiers: ClinVar variation 2491776 (VCV002491776.3), dbSNP rs1970689557, ClinGen allele CA405683786.

ClinVar aggregate classification (germline): Uncertain significance. Review status: criteria provided, multiple submitters, no conflicts (2 of 4 stars). 2 submissions from 2 submitters: Uncertain significance (2). Last evaluated 2025-06-30.

Conditions:
Inborn genetic diseases. Identifiers: MedGen C0950123, MeSH D030342.
Malignant hyperthermia, susceptibility to, 1 (MHS1). Also called: Anesthesia related hyperthermia; Malignant hyperpyrexia; Fulminating hyperpyrexia; Pharmacogenic myopathy; RYR1-Related Malignant Hyperthermia Susceptibility; Malignant hyperthermia suceptibility 1. Identifiers: Orphanet 423, MedGen C2930980, MONDO:0007783, OMIM 145600.

Allele frequency attached by ClinVar (database versions not stated): gnomAD exomes below 0.00001; TOPMed below 0.00001.
gnomAD v4.1: 1 of 1,614,192 alleles (0.000062%); highest among the groups gnomAD compares: Non-Finnish European, 0.000085%; no homozygotes.

Submissions (2):

Color Diagnostics, LLC DBA Color Health
Classification: Uncertain significance for Malignant hyperthermia, susceptibility to, 1. Last evaluated: 2025-06-30. Review status: criteria provided, single submitter. Criteria: ACMG Guidelines, 2015. Collection method: clinical testing. Allele origin: germline.
Comment: This missense variant replaces proline with serine at codon 3021 of the RYR1 protein. Computational prediction suggests that this variant may not impact protein structure and function. To our knowledge, functional studies have not been reported for this variant. This variant has not been reported in individuals affected with RYR1-related disorders in the literature. This variant has not been identified in the general population by the Genome Aggregation Database (gnomAD). The available evidence is insufficient to determine the role of this variant in disease conclusively. Therefore, this variant is classified as a Variant of Uncertain Significance.

Ambry Genetics
Classification: Uncertain significance for Inborn genetic diseases. Last evaluated: 2023-02-28. Review status: criteria provided, single submitter. Criteria: Ambry Variant Classification Scheme 2023. Collection method: clinical testing. Allele origin: germline.